The following is an entry in ClinVar:

NM_031433.4(MFRP):c.1510T>G (p.Tyr504Asp)

Genes: C1QTNF5 (C1q and TNF related 5; minus strand), MFRP (membrane frizzled-related protein; minus strand). Cytogenetic location: 11q23.3.
Variant type: single nucleotide variant.
Coding change: c.1510T>G on transcript NM_031433.4 (MANE Select); coding-DNA position 1510, T replaced by G.
Protein change: p.Tyr504Asp; replaces tyrosine 504 with aspartic acid.
Molecular consequence: missense variant. On other transcripts: 5 prime UTR variant (1).
Genome position (GRCh38, 1-based): chr11:119,341,862, A>C on the plus strand (T>G on the coding strand, the complement: MFRP is on the minus strand). VCF-style: chr11-119341862-A-C. GRCh37 (hg19) VCF-style: chr11-119212572-A-C.
Other names: c.-1127T>G (NM_015645.5); short protein forms Y504D.
Identifiers: ClinVar variation 1053630 (VCV001053630.9), dbSNP rs1950506256, ClinGen allele CA382972290.

ClinVar aggregate classification (germline): Uncertain significance (1 of 4 stars; one submission).

Conditions:
Isolated microphthalmia 5. Also called: Posterior Microphthalmia with Retinitis Pigmentosa, Foveoschisis, and Optic Disc Drusen. Identifiers: Orphanet 251279, MedGen C1970236, MONDO:0012605, OMIM 611040.

Allele frequency attached by ClinVar (database versions not stated): gnomAD exomes below 0.00001; TOPMed below 0.00001.
gnomAD v4.1: 1 of 1,612,392 alleles (0.000062%); highest among the groups gnomAD compares: African/African-American, 0.0013%; no homozygotes.

Submission:

Labcorp Genetics (formerly Invitae), Labcorp
Classification: Uncertain significance for Isolated microphthalmia 5. Last evaluated: 2022-04-11. Review status: criteria provided, single submitter. Criteria: Invitae Variant Classification Sherloc (09022015). Collection method: clinical testing. Allele origin: germline.
Comment: This sequence change replaces tyrosine, which is neutral and polar, with aspartic acid, which is acidic and polar, at codon 504 of the MFRP protein (p.Tyr504Asp). This variant is not present in population databases (gnomAD no frequency). This variant has not been reported in the literature in individuals affected with MFRP-related conditions. ClinVar contains an entry for this variant (Variation ID: 1053630). Algorithms developed to predict the effect of missense changes on protein structure and function (SIFT, PolyPhen-2, Align-GVGD) all suggest that this variant is likely to be disruptive. In summary, the available evidence is currently insufficient to determine the role of this variant in disease. Therefore, it has been classified as a Variant of Uncertain Significance.